The following is an entry in ClinVar:

ClinVar aggregate classification (germline): Benign (3 of 4 stars; one submission).

Conditions:
Breast-ovarian cancer, familial, susceptibility to, 1 (BROVCA1). Also called: BRCA1 Hereditary Breast and Ovarian Cancer; OVARIAN CANCER, SUSCEPTIBILITY TO. Identifiers: Orphanet 145, MedGen C2676676, MONDO:0011450, OMIM 604370. Disease mechanism: loss of function.

Allele frequency attached by ClinVar (database versions not stated): gnomAD exomes 0.00013; gnomAD 0.00188 and 0.00199; TOPMed 0.00198; 1000 Genomes Project 30x 0.00265; 1000 Genomes Project 0.00280.
gnomAD v4.1: 481 of 1,579,362 alleles (0.03%); highest among the groups gnomAD compares: African/African-American, 0.58%; 1 homozygote.

Submission:

Evidence-based Network for the Interpretation of Germline Mutant Alleles (ENIGMA)
Classification: Benign for Breast-ovarian cancer, familial, susceptibility to, 1. Last evaluated: 2016-09-28. Review status: reviewed by expert panel. Criteria: ENIGMA BRCA1/2 Classification Criteria (2015). Collection method: curation. Allele origin: germline.
Comment: Class 1 not pathogenic based on frequency >1% in an outbred sampleset. Frequency 0.0106 (African), derived from 1000 genomes (2013-05-02).

NM_007294.4(BRCA1):c.4676-55C>T

Gene: BRCA1 (BRCA1 DNA repair associated; minus strand). Cytogenetic location: 17q21.31.
Variant type: single nucleotide variant.
Coding change: c.4676-55C>T on transcript NM_007294.4 (MANE Select); 55 bases into the intron before coding-DNA position 4676, C replaced by T.
Molecular consequence: intron variant.
Genome position (GRCh38, 1-based): chr17:43,071,293, G>A on the plus strand (C>T on the coding strand, the complement: BRCA1 is on the minus strand). VCF-style: chr17-43071293-G-A. GRCh37 (hg19) VCF-style: chr17-41223310-G-A.
Other names: c.4460-55C>T (NM_001407915.1, NM_001407916.1, NM_001407917.1 and 1 more transcripts); c.4463-55C>T (NM_001407895.1, NM_001407910.1, NM_001407904.1 and 12 more transcripts); c.4529-55C>T (NM_001407853.1, NM_001407843.1, NM_001407847.1 and 12 more transcripts); c.1100-55C>T (NM_001408502.1, NM_001408504.1, NM_001408503.1); c.4340-55C>T (NM_001407951.1, NM_001407954.1, NM_001407952.1 and 3 more transcripts); c.4343-55C>T (NM_001407946.1, NM_001407948.1, NM_001407947.1 and 1 more transcripts); c.1154-55C>T (NM_001408489.1, NM_001408482.1, NM_001408484.1 and 5 more transcripts); c.1157-55C>T (NM_001408479.1, NM_001408478.1, NM_001408480.1); and 71 more.
Identifiers: ClinVar variation 264790 (VCV000264790.2), dbSNP rs545107728, ClinGen allele CA10588205.